The following is an entry in ClinVar:

ClinVar aggregate classification (germline): Uncertain significance (1 of 4 stars; one submission).

gnomAD v4.1: 4 of 1,612,190 alleles (0.00025%); highest among the groups gnomAD compares: East Asian, 0.0022%; no homozygotes.

Submission:

Labcorp Genetics (formerly Invitae), Labcorp
Classification: Uncertain significance. Last evaluated: 2024-07-03. Review status: criteria provided, single submitter. Criteria: Invitae Variant Classification Sherloc (09022015). Collection method: clinical testing. Allele origin: germline.
Comment: This sequence change replaces alanine, which is neutral and non-polar, with threonine, which is neutral and polar, at codon 112 of the NDUFS7 protein (p.Ala112Thr). This variant is present in population databases (rs776450572, gnomAD 0.0009%). This variant has not been reported in the literature in individuals affected with NDUFS7-related conditions. An algorithm developed to predict the effect of missense changes on protein structure and function (PolyPhen-2) suggests that this variant is likely to be disruptive. In summary, the available evidence is currently insufficient to determine the role of this variant in disease. Therefore, it has been classified as a Variant of Uncertain Significance.

NM_024407.5(NDUFS7):c.334G>A (p.Ala112Thr)

Gene: NDUFS7 (NADH:ubiquinone oxidoreductase core subunit S7; plus strand). Cytogenetic location: 19p13.3.
Variant type: single nucleotide variant.
Coding change: c.334G>A on transcript NM_024407.5 (MANE Select); coding-DNA position 334, G replaced by A.
Protein change: p.Ala112Thr; replaces alanine 112 with threonine.
Molecular consequence: missense variant.
Genome position (GRCh38, 1-based): chr19:1,390,976, G>A. VCF-style: chr19-1390976-G-A. GRCh37 (hg19) VCF-style: chr19-1390975-G-A.
Other names: c.334G>A, p.Ala112Thr (NM_001363602.2); short protein forms A112T.
Identifiers: ClinVar variation 3689018 (VCV003689018.2).